The following is an entry in ClinVar:

ClinVar aggregate classification (germline): Uncertain significance (1 of 4 stars; one submission).

Allele frequency attached by ClinVar (database versions not stated): ExAC 0.00003; TOPMed 0.00004; gnomAD 0.00005; ESP Exome Variant Server 0.00008; 1000 Genomes Project 30x 0.00016; 1000 Genomes Project 0.00020.
gnomAD v4.1: 106 of 1,614,138 alleles (0.0066%); highest among the groups gnomAD compares: Non-Finnish European, 0.0081%; no homozygotes.

Submission:

Labcorp Genetics (formerly Invitae), Labcorp
Classification: Uncertain significance. Last evaluated: 2024-12-09. Review status: criteria provided, single submitter. Criteria: Invitae Variant Classification Sherloc (09022015). Collection method: clinical testing. Allele origin: germline.
Comment: This sequence change replaces valine, which is neutral and non-polar, with methionine, which is neutral and non-polar, at codon 125 of the STAR protein (p.Val125Met). This variant is present in population databases (rs201419375, gnomAD 0.009%). This variant has not been reported in the literature in individuals affected with STAR-related conditions. ClinVar contains an entry for this variant (Variation ID: 2145061). Invitae Evidence Modeling of protein sequence and biophysical properties (such as structural, functional, and spatial information, amino acid conservation, physicochemical variation, residue mobility, and thermodynamic stability) indicates that this missense variant is not expected to disrupt STAR protein function with a negative predictive value of 80%. In summary, the available evidence is currently insufficient to determine the role of this variant in disease. Therefore, it has been classified as a Variant of Uncertain Significance.

NM_000349.3(STAR):c.373G>A (p.Val125Met)

Gene: STAR (steroidogenic acute regulatory protein; minus strand). Cytogenetic location: 8p11.23.
Variant type: single nucleotide variant.
Coding change: c.373G>A on transcript NM_000349.3 (MANE Select); coding-DNA position 373, G replaced by A.
Protein change: p.Val125Met; replaces valine 125 with methionine.
Molecular consequence: missense variant.
Genome position (GRCh38, 1-based): chr8:38,146,381, C>T on the plus strand (G>A on the coding strand, the complement: STAR is on the minus strand). VCF-style: chr8-38146381-C-T. GRCh37 (hg19) VCF-style: chr8-38003899-C-T.
Other names: short protein forms V125M.
Identifiers: ClinVar variation 2145061 (VCV002145061.3), dbSNP rs201419375, ClinGen allele CA4715262.